The following is an entry in ClinVar:

ClinVar aggregate classification (germline): Conflicting classifications of pathogenicity. Review status: criteria provided, conflicting classifications (1 of 4 stars). 3 submissions from 3 submitters: Uncertain significance (2); Likely benign (1). Last evaluated 2024-09-27.

Conditions:
Epilepsy, progressive myoclonic, 1B. Also called: PME. Identifiers: Orphanet 308, MedGen C2676254, MONDO:0012904, OMIM 612437.

Allele frequency attached by ClinVar (database versions not stated): ExAC 0.00001; gnomAD exomes 0.00002 and below 0.00001; TOPMed 0.00001.
gnomAD v4.1: 7 of 1,614,008 alleles (0.00043%); highest among the groups gnomAD compares: Admixed American, 0.0017%; no homozygotes.

Submissions (3):

Ambry Genetics
Classification: Likely benign. Last evaluated: 2024-09-27. Review status: criteria provided, single submitter. Criteria: Ambry Variant Classification Scheme 2023. Collection method: clinical testing. Allele origin: germline.

Labcorp Genetics (formerly Invitae), Labcorp
Classification: Uncertain significance for Epilepsy, progressive myoclonic, 1B. Last evaluated: 2023-10-03. Review status: criteria provided, single submitter. Criteria: Invitae Variant Classification Sherloc (09022015). Collection method: clinical testing. Allele origin: germline.
Comment: This sequence change replaces glutamic acid, which is acidic and polar, with lysine, which is basic and polar, at codon 454 of the PRICKLE1 protein (p.Glu454Lys). This variant is present in population databases (rs748454609, gnomAD 0.009%). This variant has not been reported in the literature in individuals affected with PRICKLE1-related conditions. ClinVar contains an entry for this variant (Variation ID: 206667). Advanced modeling of protein sequence and biophysical properties (such as structural, functional, and spatial information, amino acid conservation, physicochemical variation, residue mobility, and thermodynamic stability) performed at Invitae indicates that this missense variant is not expected to disrupt PRICKLE1 protein function. In summary, the available evidence is currently insufficient to determine the role of this variant in disease. Therefore, it has been classified as a Variant of Uncertain Significance.

GeneDx
Classification: Uncertain significance. Last evaluated: 2014-12-16. Review status: criteria provided, single submitter. Criteria: GeneDx Variant Classification (06012015). Collection method: clinical testing. Allele origin: germline. Affected: yes.
Comment: p.Glu454Lys (GAG>AAG): c.1360 G>A in exon 7 of the PRICKLE1 gene (NM_153026.2). The E454K variant has not been published as a mutation, nor has it been reported as a benign polymorphism to our knowledge. It was not observed in approximately 6,500 individuals of European and African American ancestry in the NHLBI Exome Sequencing Project, indicating it is not a common benign variant in these populations. The E454K variant is a non-conservative amino acid substitution, which is likely to impact secondary protein structure as these residues differ in polarity, charge, size and/or other properties. However, this substitution occurs at a position that is not conserved across species, and in silico analysis is inconsistent in its predictions as to whether or not the variant is damaging to the protein structure/function. Therefore, based on the currently available information, it is unclear whether this variant is a pathogenic mutation or a rare benign variant. The variant is found in EPILEPSY panel(s).

NM_153026.3(PRICKLE1):c.1360G>A (p.Glu454Lys)

Gene: PRICKLE1 (prickle planar cell polarity protein 1; minus strand). Cytogenetic location: 12q12.
Variant type: single nucleotide variant.
Coding change: c.1360G>A on transcript NM_153026.3 (MANE Select); coding-DNA position 1360, G replaced by A.
Protein change: p.Glu454Lys; replaces glutamic acid 454 with lysine.
Molecular consequence: missense variant.
Genome position (GRCh38, 1-based): chr12:42,464,674, C>T on the plus strand (G>A on the coding strand, the complement: PRICKLE1 is on the minus strand). VCF-style: chr12-42464674-C-T. GRCh37 (hg19) VCF-style: chr12-42858476-C-T.
Other names: p.E454K:GAG>AAG; c.1360G>A, p.Glu454Lys (NM_001144881.2, NM_001144882.2, NM_001144883.2); short protein forms E454K.
Identifiers: ClinVar variation 206667 (VCV000206667.10), dbSNP rs748454609, ClinGen allele CA316988.